The following is an entry in ClinVar:

NM_001384474.1(LOXHD1):c.6224G>A (p.Gly2075Glu)

Gene: LOXHD1 (lipoxygenase homology PLAT domains 1; minus strand). Cytogenetic location: 18q21.1.
Variant type: single nucleotide variant.
Coding change: c.6224G>A on transcript NM_001384474.1 (MANE Select); coding-DNA position 6224, G replaced by A.
Protein change: p.Gly2075Glu; replaces glycine 2075 with glutamic acid.
Molecular consequence: missense variant.
Genome position (GRCh38, 1-based): chr18:46,483,704, C>T on the plus strand (G>A on the coding strand, the complement: LOXHD1 is on the minus strand). VCF-style: chr18-46483704-C-T. GRCh37 (hg19) VCF-style: chr18-44063667-C-T.
Other names: c.2891G>A, p.Gly964Glu (NM_001145472.3); c.941G>A, p.Gly314Glu (NM_001145473.3, NM_001173129.2); c.2603G>A, p.Gly868Glu (NM_001308013.2); c.6038G>A, p.Gly2013Glu (NM_144612.7); short protein forms G2013E, G2075E, G314E, G868E, G964E.
Identifiers: ClinVar variation 982254 (VCV000982254.7), dbSNP rs1442825433, ClinGen allele CA402366086.

ClinVar aggregate classification (germline): Uncertain significance. Review status: criteria provided, multiple submitters, no conflicts (2 of 4 stars). 3 submissions from 3 submitters: Uncertain significance (2). 1 of the submissions does not count toward it. Last evaluated 2022-05-27.

Conditions:
Autosomal recessive nonsyndromic hearing loss 77. Identifiers: Orphanet 90636, MedGen C2746083, MONDO:0013119, OMIM 613079.

Allele frequency attached by ClinVar (database versions not stated): gnomAD 0.00001; gnomAD exomes 0.00001 and 0.00003; TOPMed 0.00001.
gnomAD v4.1: 4 of 1,551,616 alleles (0.00026%); highest among the groups gnomAD compares: East Asian, 0.0098%; no homozygotes.

Submissions (3):

Labcorp Genetics (formerly Invitae), Labcorp
Classification: Uncertain significance. Last evaluated: 2022-05-27. Review status: criteria provided, single submitter. Criteria: Invitae Variant Classification Sherloc (09022015). Collection method: clinical testing. Allele origin: germline.
Comment: This sequence change replaces glycine, which is neutral and non-polar, with glutamic acid, which is acidic and polar, at codon 2013 of the LOXHD1 protein (p.Gly2013Glu). This variant is present in population databases (no rsID available, gnomAD 0.05%). This variant has not been reported in the literature in individuals affected with LOXHD1-related conditions. ClinVar contains an entry for this variant (Variation ID: 982254). Algorithms developed to predict the effect of missense changes on protein structure and function are either unavailable or do not agree on the potential impact of this missense change (SIFT: "Deleterious"; PolyPhen-2: "Possibly Damaging"; Align-GVGD: "Class C0"). In summary, the available evidence is currently insufficient to determine the role of this variant in disease. Therefore, it has been classified as a Variant of Uncertain Significance.

Women's Health and Genetics/Laboratory Corporation of America, LabCorp
Classification: Uncertain significance. Last evaluated: 2022-05-25. Review status: criteria provided, single submitter. Criteria: LabCorp Variant Classification Summary - May 2015. Collection method: clinical testing. Allele origin: germline.
Comment: Variant summary: LOXHD1 c.6038G>A (p.Gly2013Glu) results in a non-conservative amino acid change located in the in the last PLAT/LH2 domain (IPR001024) of the encoded protein sequence. Five of five in-silico tools predict a damaging effect of the variant on protein function. The variant allele was found at a frequency of 3.2e-05 in 157300 control chromosomes, exclusively reported within the East Asian subpopulation (5/10900 alleles). The available data on variant occurrences in the general population are insufficient to allow any conclusion about variant significance. The authors of this study submitted this variant to ClinVar with a likely pathogenic classification, however no other clinical diagnostic laboratories have submitted clinical-significance assessments for this variant to ClinVar after 2014. To our knowledge, no experimental evidence demonstrating an impact on protein function has been reported. A different missense affecting the same amino acid (c.6037G>A (p.G2013R)) has been reported in an affected individual (PMID: 31547530), supporting a functional role for the Gly2013 residue. Based on the evidence outlined above, the variant was classified as VUS-possibly pathogenic.

Center for Molecular Medicine, Children’s Hospital of Fudan University
Classification: Likely pathogenic for Autosomal recessive nonsyndromic hearing loss 77. Last evaluated: 2020-09-30. Review status: no assertion criteria provided. Collection method: clinical testing. Allele origin: paternal. Affected: yes. Not counted in ClinVar's aggregate classification.

Literature cited by the submitters: PubMed 33892339 (cited by Women's Health and Genetics/Laboratory Corporation of America, LabCorp).